The following is an entry in ClinVar:

ClinVar aggregate classification (germline): Conflicting classifications of pathogenicity. Review status: criteria provided, conflicting classifications (1 of 4 stars). 2 submissions from 2 submitters: Likely pathogenic (1); Uncertain significance (1). Last evaluated 2026-04-01.

Conditions:
Histiocytic medullary reticulosis. Also called: Omenn syndrome; SEVERE COMBINED IMMUNODEFICIENCY WITH HYPEREOSINOPHILIA. Identifiers: Orphanet 39041, MedGen C2700553, MONDO:0011338, OMIM 603554.
Primary ciliary dyskinesia. Also called: Ciliary dyskinesia. Identifiers: Orphanet 244, MedGen C0008780, MONDO:0016575, HP:0012265.

Submissions (2):

Department of Human Genetics, Hannover Medical School
Classification: Uncertain significance for Primary Ciliary Dyskinesia. Last evaluated: 2026-04-01. Review status: criteria provided, single submitter. Criteria: ACMG Guidelines, 2015. Collection method: research. Allele origin: germline. Affected: no.
Comment: Classification performed by HerediClassify using the following criteria:['PM2_supporting: Variant occures does not occur as homozygous in gnomAD.', 'PVS1_protein_strong: Transcript ENST00000378278 is not predicted to undergo NMD. Protein length change of 0.24566473988439308 observed.']

Baylor Genetics
Classification: Likely pathogenic for Histiocytic medullary reticulosis. Last evaluated: 2023-10-09. Review status: criteria provided, single submitter. Criteria: ACMG Guidelines, 2015. Collection method: clinical testing. Allele origin: unknown.

NM_001033855.3(DCLRE1C):c.1539_1540del (p.Gly515fs)

Gene: DCLRE1C (DNA cross-link repair 1C; minus strand). Cytogenetic location: 10p13.
Variant type: Deletion.
Coding change: c.1539_1540del on transcript NM_001033855.3 (MANE Select); coding-DNA positions 1539 to 1540, 2 bases deleted (AG; older notation c.1539_1540delAG).
Protein change: p.Gly515fs; shifts the reading frame from glycine 515.
Molecular consequence: frameshift variant. On other transcripts: non-coding transcript variant (4).
Genome position (GRCh38, 1-based): chr10:14,908,947-14,908,948, CT deleted on the plus strand (AG on the coding strand, the reverse complement: DCLRE1C is on the minus strand). VCF-style (leftmost placement, unchanged base first): chr10-14908946-CCT-C. GRCh37 (hg19) VCF-style: chr10-14950945-CCT-C.
Other names: c.1179_1180del, p.Gly395fs (NM_001033857.3, NM_001033858.3, NM_001289077.2 and 2 more transcripts); c.1194_1195del, p.Gly400fs (NM_001289076.2, NM_001289078.2, NM_001350966.2 and 1 more transcripts); c.1539_1540del, p.Gly515fs (NM_001350965.2); short protein forms G395fs, G400fs, G515fs.
Identifiers: ClinVar variation 2674746 (VCV002674746.2), dbSNP rs2491629087, ClinGen allele CA2695199454.
Genomic context (GRCh38, chr10:14,908,946, plus strand): 5'-GAGGAGATGTGAGTTGATTCTCCATCAGAGTCACTGAAAAGCTTTGGTGACTGAGATCCC[CCT>C]GCCACTGTGGAGGAAGGGAAGTTTTCCAAACTCTCATCTGTGATTTCATCATTTCTTTTA-3'